The following is an entry in ClinVar:

ClinVar aggregate classification (germline): Uncertain significance. Review status: criteria provided, multiple submitters, no conflicts (2 of 4 stars). 3 submissions from 3 submitters: Uncertain significance (3). Last evaluated 2023-04-11.

Conditions:
Developmental and epileptic encephalopathy, 18 (DEE18). Also called: Early infantile epileptic encephalopathy 18. Identifiers: Orphanet 369894, MedGen C3809624, MONDO:0014201, OMIM 615476.
Inborn genetic diseases. Identifiers: MedGen C0950123, MeSH D030342.

Allele frequency attached by ClinVar (database versions not stated): gnomAD exomes 0.00001 and 0.00002; ExAC 0.00003; ESP Exome Variant Server 0.00008.

Submissions (3):

Genome-Nilou Lab
Classification: Uncertain significance for Developmental and epileptic encephalopathy, 18. Last evaluated: 2023-04-11. Review status: criteria provided, single submitter. Criteria: ACMG Guidelines, 2015. Collection method: clinical testing. Allele origin: germline. Affected: no.

Labcorp Genetics (formerly Invitae), Labcorp
Classification: Uncertain significance. Last evaluated: 2019-12-30. Review status: criteria provided, single submitter. Criteria: Invitae Variant Classification Sherloc (09022015). Collection method: clinical testing. Allele origin: germline.
Comment: In summary, the available evidence is currently insufficient to determine the role of this variant in disease. Therefore, it has been classified as a Variant of Uncertain Significance. Algorithms developed to predict the effect of missense changes on protein structure and function are either unavailable or do not agree on the potential impact of this missense change (SIFT: "Deleterious"; PolyPhen-2: "Probably Damaging"; Align-GVGD: "Class C0"). This variant has not been reported in the literature in individuals with SZT2-related conditions. This variant is present in population databases (rs150074610, ExAC 0.01%). This sequence change replaces arginine with cysteine at codon 127 of the SZT2 protein (p.Arg127Cys). The arginine residue is weakly conserved and there is a large physicochemical difference between arginine and cysteine.

Ambry Genetics
Classification: Uncertain significance for Inborn genetic diseases. Last evaluated: 2017-12-18. Review status: criteria provided, single submitter. Criteria: Ambry Variant Classification Scheme 2023. Collection method: clinical testing. Allele origin: germline.
Comment: The p.R127C variant (also known as c.379C>T), located in coding exon 4 of the SZT2 gene, results from a C to T substitution at nucleotide position 379. The arginine at codon 127 is replaced by cysteine, an amino acid with highly dissimilar properties. This amino acid position is well conserved in available vertebrate species. In addition, the in silico prediction for this alteration is inconclusive. Since supporting evidence is limited at this time, the clinical significance of this alteration remains unclear.

NM_001365999.1(SZT2):c.379C>T (p.Arg127Cys)

Gene: SZT2 (SZT2 subunit of KICSTOR complex; plus strand). Cytogenetic location: 1p34.2.
Variant type: single nucleotide variant.
Coding change: c.379C>T on transcript NM_001365999.1 (MANE Select); coding-DNA position 379, C replaced by T.
Protein change: p.Arg127Cys; replaces arginine 127 with cysteine.
Molecular consequence: missense variant.
Genome position (GRCh38, 1-based): chr1:43,404,431, C>T. VCF-style: chr1-43404431-C-T. GRCh37 (hg19) VCF-style: chr1-43870102-C-T.
Other names: c.379C>T, p.Arg127Cys (NM_015284.4); short protein forms R127C.
Identifiers: ClinVar variation 840236 (VCV000840236.12), dbSNP rs150074610, ClinGen allele CA808155.